The following is an entry in ClinVar:

NM_144596.4(TTC8):c.579+43C>T

Gene: TTC8 (tetratricopeptide repeat domain 8; plus strand). Cytogenetic location: 14q31.3.
Variant type: single nucleotide variant.
Coding change: c.579+43C>T on transcript NM_144596.4 (MANE Select); 43 bases into the intron after coding-DNA position 579, C replaced by T.
Molecular consequence: intron variant. On other transcripts: synonymous variant (1).
Genome position (GRCh38, 1-based): chr14:88,841,557, C>T. VCF-style: chr14-88841557-C-T. GRCh37 (hg19) VCF-style: chr14-89307901-C-T.
Other names: c.30C>T, p.His10= (NM_001288782.1); c.549+43C>T (NM_001288781.1, NM_198309.3, NM_001366535.2); c.-199+361C>T (NM_001288783.1); c.459+361C>T (NM_198310.3, NM_001366536.2).
Identifiers: ClinVar variation 3043087 (VCV003043087.3), dbSNP rs201587278, ClinGen allele CA7302515.

ClinVar aggregate classification (germline): Likely benign. Review status: criteria provided, single submitter (1 of 4 stars). 2 submissions from 2 submitters: Likely benign (1). 1 of the submissions does not count toward it. Last evaluated 2024-04-30.

Conditions:
TTC8-related disorder. Also called: TTC8-related condition.

Allele frequency attached by ClinVar (database versions not stated): ExAC 0.00007; gnomAD exomes 0.00011; TOPMed 0.00014; ESP Exome Variant Server 0.00015; gnomAD 0.00015.

Submissions (2):

Blueprint Genetics
Classification: Likely benign. Last evaluated: 2024-04-30. Review status: criteria provided, single submitter. Criteria: ACMG Guidelines, 2015. Collection method: clinical testing. Allele origin: germline.

PreventionGenetics, part of Exact Sciences
Classification: Likely benign for TTC8-related condition. Last evaluated: 2019-12-20. Review status: no assertion criteria provided. Collection method: clinical testing. Allele origin: germline. Not counted in ClinVar's aggregate classification.
Comment: This variant is classified as likely benign based on ACMG/AMP sequence variant interpretation guidelines (Richards et al. 2015 PMID: 25741868, with internal and published modifications).